The following is an entry in ClinVar:

NM_000836.4(GRIN2D):c.3292G>C (p.Ala1098Pro)

Gene: GRIN2D (glutamate ionotropic receptor NMDA type subunit 2D; plus strand). Cytogenetic location: 19q13.33.
Variant type: single nucleotide variant.
Coding change: c.3292G>C on transcript NM_000836.4 (MANE Select); coding-DNA position 3292, G replaced by C.
Protein change: p.Ala1098Pro; replaces alanine 1098 with proline.
Molecular consequence: missense variant.
Genome position (GRCh38, 1-based): chr19:48,443,218, G>C. VCF-style: chr19-48443218-G-C. GRCh37 (hg19) VCF-style: chr19-48946475-G-C.
Other names: short protein forms A1098P.
Identifiers: ClinVar variation 1716198 (VCV001716198.5), dbSNP rs2513692958, ClinGen allele CA406675415.

ClinVar aggregate classification (germline): Uncertain significance (1 of 4 stars; one submission).

Submission:

Labcorp Genetics (formerly Invitae), Labcorp
Classification: Uncertain significance. Last evaluated: 2022-11-28. Review status: criteria provided, single submitter. Criteria: Invitae Variant Classification Sherloc (09022015). Collection method: clinical testing. Allele origin: germline.
Comment: This sequence change replaces alanine, which is neutral and non-polar, with proline, which is neutral and non-polar, at codon 1098 of the GRIN2D protein (p.Ala1098Pro). The frequency data for this variant in the population databases is considered unreliable, as metrics indicate insufficient coverage at this position in the gnomAD database. This variant has not been reported in the literature in individuals affected with GRIN2D-related conditions. Advanced modeling of protein sequence and biophysical properties (such as structural, functional, and spatial information, amino acid conservation, physicochemical variation, residue mobility, and thermodynamic stability) performed at Invitae indicates that this missense variant is not expected to disrupt GRIN2D protein function. In summary, the available evidence is currently insufficient to determine the role of this variant in disease. Therefore, it has been classified as a Variant of Uncertain Significance.